The following is an entry in ClinVar:

NM_001267550.2(TTN):c.41055T>G (p.Phe13685Leu)

Gene: TTN (titin; minus strand). Cytogenetic location: 2q31.2.
Variant type: single nucleotide variant.
Coding change: c.41055T>G on transcript NM_001267550.2 (MANE Select); coding-DNA position 41055, T replaced by G.
Protein change: p.Phe13685Leu; replaces phenylalanine 13685 with leucine.
Molecular consequence: missense variant.
Genome position (GRCh38, 1-based): chr2:178,636,672, A>C on the plus strand (T>G on the coding strand, the complement: TTN is on the minus strand). VCF-style: chr2-178636672-A-C. GRCh37 (hg19) VCF-style: chr2-179501399-A-C.
Other names: c.36132T>G, p.Phe12044Leu (NM_001256850.1); c.13860T>G, p.Phe4620Leu (NM_003319.4); c.33351T>G, p.Phe11117Leu (NM_133378.4); c.14235T>G, p.Phe4745Leu (NM_133432.3); c.14436T>G, p.Phe4812Leu (NM_133437.4); short protein forms F11117L, F4812L, F4745L, F12044L, F13685L, F4620L.
Identifiers: ClinVar variation 4993525 (VCV004993525.1).

ClinVar aggregate classification (germline): Uncertain significance (1 of 4 stars; one submission).

Conditions:
TTN-related disorder. Also called: TTN-related disorders; TTN-related condition; TTN-related disease.

Submission:

PreventionGenetics, part of Exact Sciences
Classification: Uncertain significance for TTN-related condition. Last evaluated: 2026-07-15. Review status: criteria provided, single submitter. Criteria: ACMG Guidelines, 2015. Collection method: clinical testing. Allele origin: germline.
Comment: The TTN c.41055T>G variant is predicted to result in the amino acid substitution p.Phe13685Leu. To our knowledge, this variant has not been reported in the literature or in a large population database (gnomAD), indicating this variant is rare. At this time, the clinical significance of this variant is uncertain due to the absence of conclusive functional and genetic evidence.